The following is an entry in ClinVar:

ClinVar aggregate classification (germline): Uncertain significance. Review status: criteria provided, multiple submitters, no conflicts (2 of 4 stars). 3 submissions from 3 submitters: Uncertain significance (3). Last evaluated 2025-01-05.

Conditions:
Spinocerebellar ataxia, autosomal recessive, with axonal neuropathy 2 (SCAN2). Also called: ATAXIA-OCULOMOTOR APRAXIA 2; Ataxia-ocular apraxia-2; Ataxia with Oculomotor Apraxia Type 2; Ataxia with Oculomotor Apraxia. Identifiers: Orphanet 64753, MedGen C1853761, MONDO:0018996, OMIM 606002.
Amyotrophic lateral sclerosis type 4 (ALS4). Also called: AMYOTROPHIC LATERAL SCLEROSIS 4, JUVENILE; NEURONOPATHY, DISTAL HEREDITARY MOTOR, WITH PYRAMIDAL FEATURES. Identifiers: Orphanet 357043, MedGen C1865409, MONDO:0011223, OMIM 602433.

Allele frequency attached by ClinVar (database versions not stated): TOPMed below 0.00001.
gnomAD v4.1: 1 of 1,614,000 alleles (0.000062%); highest among the groups gnomAD compares: Non-Finnish European, 0.000085%; no homozygotes.

Submissions (3):

Labcorp Genetics (formerly Invitae), Labcorp
Classification: Uncertain significance for Amyotrophic lateral sclerosis type 4; Spinocerebellar ataxia, autosomal recessive, with axonal neuropathy 2. Last evaluated: 2025-01-05. Review status: criteria provided, single submitter. Criteria: Invitae Variant Classification Sherloc (09022015). Collection method: clinical testing. Allele origin: germline.
Comment: This sequence change replaces arginine, which is basic and polar, with isoleucine, which is neutral and non-polar, at codon 1214 of the SETX protein (p.Arg1214Ile). This variant is not present in population databases (gnomAD no frequency). This variant has not been reported in the literature in individuals affected with SETX-related conditions. ClinVar contains an entry for this variant (Variation ID: 1327153). Invitae Evidence Modeling of protein sequence and biophysical properties (such as structural, functional, and spatial information, amino acid conservation, physicochemical variation, residue mobility, and thermodynamic stability) indicates that this missense variant is not expected to disrupt SETX protein function with a negative predictive value of 95%. In summary, the available evidence is currently insufficient to determine the role of this variant in disease. Therefore, it has been classified as a Variant of Uncertain Significance.

Women's Health and Genetics/Laboratory Corporation of America, LabCorp
Classification: Uncertain significance. Last evaluated: 2024-08-30. Review status: criteria provided, single submitter. Criteria: LabCorp Variant Classification Summary - May 2015. Collection method: clinical testing. Allele origin: germline.
Comment: Variant summary: SETX c.3641G>T (p.Arg1214Ile) results in a non-conservative amino acid change in the encoded protein sequence. Four of five in-silico tools predict a benign effect of the variant on protein function. The variant was absent in 251052 control chromosomes. The available data on variant occurrences in the general population are insufficient to allow any conclusion about variant significance. To our knowledge, no occurrence of c.3641G>T in individuals affected with Amyotrophic Lateral Sclerosis Type 4 and no experimental evidence demonstrating its impact on protein function have been reported. ClinVar contains an entry for this variant (Variation ID: 1327153). Based on the evidence outlined above, the variant was classified as uncertain significance.

GeneDx
Classification: Uncertain significance. Last evaluated: 2021-06-01. Review status: criteria provided, single submitter. Criteria: GeneDx Variant Classification Process June 2021. Collection method: clinical testing. Allele origin: germline. Affected: yes.
Comment: Not observed at significant frequency in large population cohorts (Lek et al., 2016); In silico analysis supports that this missense variant does not alter protein structure/function; Has not been previously published as pathogenic or benign to our knowledge; This variant is associated with the following publications: (PMID: 27535533)

NM_015046.7(SETX):c.3641G>T (p.Arg1214Ile)

Gene: SETX (senataxin; minus strand). Cytogenetic location: 9q34.13.
Variant type: single nucleotide variant.
Coding change: c.3641G>T on transcript NM_015046.7 (MANE Select); coding-DNA position 3641, G replaced by T.
Protein change: p.Arg1214Ile; replaces arginine 1214 with isoleucine.
Molecular consequence: missense variant.
Genome position (GRCh38, 1-based): chr9:132,327,957, C>A on the plus strand (G>T on the coding strand, the complement: SETX is on the minus strand). VCF-style: chr9-132327957-C-A. GRCh37 (hg19) VCF-style: chr9-135203344-C-A.
Other names: c.3641G>T, p.Arg1214Ile (NM_001351527.2, NM_001351528.2); short protein forms R1214I.
Identifiers: ClinVar variation 1327153 (VCV001327153.5), dbSNP rs763375641, ClinGen allele CA375329894.
Genomic context (GRCh38, chr9:132,327,957, plus strand): 5'-CTGATGGGTTCTGTACAAGTACAAAGCTTTGAAGACTTCTTTTGTGAAACCGTAGTGGCT[C>A]TCTGAATACGTGAATTGGGAGTTGAAGTCCTTCTATCAATACTTTTAAAATCATTTCCCA-3'
Protein context (NP_055861.3, residues 1204-1224): RTSTPNSRIQ[Arg1214Ile]ATTVSQKKSS